The following is an entry in ClinVar:

NM_022041.4(GAN):c.427C>G (p.His143Asp)

Gene: GAN (gigaxonin; plus strand). Cytogenetic location: 16q23.2.
Variant type: single nucleotide variant.
Coding change: c.427C>G on transcript NM_022041.4 (MANE Select); coding-DNA position 427, C replaced by G.
Protein change: p.His143Asp; replaces histidine 143 with aspartic acid.
Molecular consequence: missense variant. On other transcripts: 5 prime UTR variant (1).
Genome position (GRCh38, 1-based): chr16:81,354,549, C>G. VCF-style: chr16-81354549-C-G. GRCh37 (hg19) VCF-style: chr16-81388154-C-G.
Other names: c.-213C>G (NM_001377486.1); short protein forms H143D.
Identifiers: ClinVar variation 965198 (VCV000965198.9), dbSNP rs1910421613, ClinGen allele CA396868275.

ClinVar aggregate classification (germline): Uncertain significance (1 of 4 stars; one submission).

Conditions:
Giant axonal neuropathy 1 (GAN1). Also called: GAN-Related Neurodegeneration; GIANT AXONAL NEUROPATHY 1, AUTOSOMAL RECESSIVE. Identifiers: Orphanet 643, MedGen C1850386, MONDO:0009749, OMIM 256850.

Submission:

Labcorp Genetics (formerly Invitae), Labcorp
Classification: Uncertain significance for Giant axonal neuropathy 1. Last evaluated: 2019-11-16. Review status: criteria provided, single submitter. Criteria: Invitae Variant Classification Sherloc (09022015). Collection method: clinical testing. Allele origin: germline.
Comment: In summary, the available evidence is currently insufficient to determine the role of this variant in disease. Therefore, it has been classified as a Variant of Uncertain Significance. Algorithms developed to predict the effect of sequence changes on RNA splicing suggest that this variant may create or strengthen a splice site, but this prediction has not been confirmed by published transcriptional studies. Algorithms developed to predict the effect of missense changes on protein structure and function (SIFT, PolyPhen-2, Align-GVGD) all suggest that this variant is likely to be tolerated, but these predictions have not been confirmed by published functional studies and their clinical significance is uncertain. This variant has not been reported in the literature in individuals with GAN-related conditions. This variant is not present in population databases (ExAC no frequency). This sequence change replaces histidine with aspartic acid at codon 143 of the GAN protein (p.His143Asp). The histidine residue is highly conserved and there is a moderate physicochemical difference between histidine and aspartic acid.